The following is an entry in ClinVar:

ClinVar aggregate classification (germline): Pathogenic/Likely pathogenic. Review status: criteria provided, multiple submitters, no conflicts (2 of 4 stars). 4 submissions from 4 submitters: Pathogenic (1); Likely pathogenic (3). Last evaluated 2025-12-23.

Conditions:
Hypophosphatasia. Also called: Phosphoethanol-aminuria. Identifiers: Orphanet 436, MedGen C0020630, MeSH D007014, MONDO:0018570.

Allele frequency attached by ClinVar (database versions not stated): TOPMed below 0.00001.
gnomAD v4.1: 1 of 1,614,112 alleles (0.000062%); highest among the groups gnomAD compares: Admixed American, 0.0017%; no homozygotes.

Submissions (4):

Labcorp Genetics (formerly Invitae), Labcorp
Classification: Pathogenic. Last evaluated: 2025-12-23. Review status: criteria provided, single submitter. Criteria: Invitae Variant Classification Sherloc (09022015). Collection method: clinical testing. Allele origin: germline.
Comment: This sequence change replaces glycine, which is neutral and non-polar, with valine, which is neutral and non-polar, at codon 220 of the ALPL protein (p.Gly220Val). This variant is not present in population databases (gnomAD no frequency). This missense change has been observed in individual(s) with infantile hypophosphatasia (PMID: 11438998). In at least one individual the data is consistent with being in trans (on the opposite chromosome) from a pathogenic variant. This variant is also known as G203V. ClinVar contains an entry for this variant (Variation ID: 2664952). Invitae Evidence Modeling of protein sequence and biophysical properties (such as structural, functional, and spatial information, amino acid conservation, physicochemical variation, residue mobility, and thermodynamic stability) indicates that this missense variant is expected to disrupt ALPL protein function with a positive predictive value of 95%. This variant disrupts the p.Gly220 amino acid residue in ALPL. Other variant(s) that disrupt this residue have been determined to be pathogenic (PMID: 22397652, 25731960). This suggests that this residue is clinically significant, and that variants that disrupt this residue are likely to be disease-causing. For these reasons, this variant has been classified as Pathogenic.

Genomenon, Inc
Classification: Likely pathogenic for Hypophosphatasia. Last evaluated: 2025-08-29. Review status: criteria provided, single submitter. Criteria: Genomenon Sequence Variant Interpretation Standards. Collection method: curation. Allele origin: germline. Affected: yes.
Comment: ALPL c.659G>T is a missense variant that changes the amino acid at residue 220 from Glycine to Valine. This variant has been observed in at least one proband affected with hypophosphatasia (PMID:31267001;28127875;11438998). This variant has also been described as Gly203Val in the literature. It is absent or not present at a significant frequency in gnomAD. In silico models agree that this variant is possibly or probably damaging. In conclusion, we classify ALPL p.Gly220Val (c.659G>T) as a likely pathogenic variant.

Women's Health and Genetics/Laboratory Corporation of America, LabCorp
Classification: Likely pathogenic for Hypophosphatasia. Last evaluated: 2024-09-18. Review status: criteria provided, single submitter. Criteria: LabCorp Variant Classification Summary - May 2015. Collection method: clinical testing. Allele origin: germline.
Comment: Variant summary: ALPL c.659G>T (p.Gly220Val) results in a non-conservative amino acid change in the encoded protein sequence. Five of five in-silico tools predict a damaging effect of the variant on protein function. The variant was absent in 251476 control chromosomes. c.659G>T has been reported in the literature in the compound heterozygous state in individuals affected with autosomal recessive Hypophosphatasia and in the heterozygous state in affected individuals without strong strong evidence for autosomal dominant inheritance (e.g. Taillandier_2001, Tenorio_2017, Del Angel_2020, Tornero_2022). These data indicate that the variant may be associated with disease. To our knowledge, no experimental evidence demonstrating an impact on protein function has been reported. However, a different variant affecting the same codon has been classified as pathogenic (c.659G>C, p.Gly220Ala), supporting the critical relevance of codon 220 to ALPL protein function. The following publications have been ascertained in the context of this evaluation (PMID: 32160374, 31267001, 11438998, 28127875, 35241128). ClinVar contains an entry for this variant (Variation ID: 2664952). Based on the evidence outlined above, the variant was classified as likely pathogenic.

JKU Lab, Dept of Paediatrics, Johannes Kepler University
Classification: Likely pathogenic for Hypophosphatasia. Last evaluated: 2023-10-24. Review status: criteria provided, single submitter. Criteria: ACMG Guidelines, 2015. Collection method: clinical testing. Allele origin: germline. Affected: yes. Observed: 1 compound heterozygote.
Comment: Absent in GnomAD.

Literature cited by the submitters: PubMed 11438998 (cited by 3 submitters); PubMed 22397652 (cited by Labcorp Genetics (formerly Invitae), Labcorp); PubMed 25731960 (cited by Labcorp Genetics (formerly Invitae), Labcorp); PubMed 31267001 (cited by Genomenon, Inc and Women's Health and Genetics/Laboratory Corporation of America, LabCorp); PubMed 28127875 (cited by Genomenon, Inc and Women's Health and Genetics/Laboratory Corporation of America, LabCorp); PubMed 32160374 (cited by Women's Health and Genetics/Laboratory Corporation of America, LabCorp); PubMed 35241128 (cited by Women's Health and Genetics/Laboratory Corporation of America, LabCorp).

NM_000478.6(ALPL):c.659G>T (p.Gly220Val)

Gene: ALPL (alkaline phosphatase, biomineralization associated; plus strand). Cytogenetic location: 1p36.12.
Variant type: single nucleotide variant.
Coding change: c.659G>T on transcript NM_000478.6 (MANE Select); coding-DNA position 659, G replaced by T.
Protein change: p.Gly220Val; replaces glycine 220 with valine.
Molecular consequence: missense variant.
Genome position (GRCh38, 1-based): chr1:21,568,114, G>T. VCF-style: chr1-21568114-G-T. GRCh37 (hg19) VCF-style: chr1-21894607-G-T.
Other names: c.494G>T, p.Gly165Val (NM_001127501.4); c.428G>T, p.Gly143Val (NM_001177520.3); c.659G>T, p.Gly220Val (NM_001369803.2, NM_001369804.2, NM_001369805.2); short protein forms G143V, G165V, G220V.
Identifiers: ClinVar variation 2664952 (VCV002664952.6), dbSNP rs1644592603, ClinGen allele CA338879049.
Genomic context (GRCh38, chr1:21,568,114, plus strand): 5'-TTCTGGGCATCTTGGAACCCTGCAGAAGTGATGGCTCCTGTCTCTTTTAGGTGATCATGG[G>T]GGGTGGCCGGAAATACATGTACCCCAAGAATAAAACTGATGTGGAGTATGAGAGTGACGA-3'
Protein context (NP_000469.3, residues 210-230): HNIRDIDVIM[Gly220Val]GGRKYMYPKN